The following is an entry in ClinVar:

NM_015466.4(PTPN23):c.3202A>G (p.Thr1068Ala)

Gene: PTPN23 (protein tyrosine phosphatase non-receptor type 23; plus strand). Cytogenetic location: 3p21.31.
Variant type: single nucleotide variant.
Coding change: c.3202A>G on transcript NM_015466.4 (MANE Select); coding-DNA position 3202, A replaced by G.
Protein change: p.Thr1068Ala; replaces threonine 1068 with alanine.
Molecular consequence: missense variant.
Genome position (GRCh38, 1-based): chr3:47,411,000, A>G. VCF-style: chr3-47411000-A-G. GRCh37 (hg19) VCF-style: chr3-47452490-A-G.
Other names: c.2824A>G, p.Thr942Ala (NM_001304482.2); short protein forms T1068A, T942A.
Identifiers: ClinVar variation 4538913 (VCV004538913.1).

ClinVar aggregate classification (germline): Uncertain significance (1 of 4 stars; one submission).

gnomAD v4.1: 1 of 1,596,954 alleles (0.000063%); highest among the groups gnomAD compares: Admixed American, 0.0017%; no homozygotes.

Submission:

GeneDx
Classification: Uncertain significance. Last evaluated: 2025-06-18. Review status: criteria provided, single submitter. Criteria: GeneDx Variant Classification Process June 2021. Collection method: clinical testing. Allele origin: germline. Affected: yes.
Comment: Not observed at significant frequency in large population cohorts (gnomAD); In silico analysis suggests that this missense variant does not alter protein structure/function; Has not been previously published as pathogenic or benign to our knowledge